The following is an entry in ClinVar:

NM_001035.3(RYR2):c.6863T>C (p.Ile2288Thr)

Gene: RYR2 (ryanodine receptor 2; plus strand). Cytogenetic location: 1q43.
Variant type: single nucleotide variant.
Coding change: c.6863T>C on transcript NM_001035.3 (MANE Select); coding-DNA position 6863, T replaced by C.
Protein change: p.Ile2288Thr; replaces isoleucine 2288 with threonine.
Molecular consequence: missense variant.
Genome position (GRCh38, 1-based): chr1:237,638,427, T>C. VCF-style: chr1-237638427-T-C. GRCh37 (hg19) VCF-style: chr1-237801727-T-C.
Other names: short protein forms I2288T.
Identifiers: ClinVar variation 3070476 (VCV003070476.2), dbSNP rs770374505, ClinGen allele CA087235.

ClinVar aggregate classification (germline): Uncertain significance. Review status: criteria provided, multiple submitters, no conflicts (2 of 4 stars). 2 submissions from 2 submitters: Uncertain significance (2). Last evaluated 2025-04-11.

Conditions:
Catecholaminergic polymorphic ventricular tachycardia (CVPT). Also called: Catecholamine-induced polymorphic ventricular tachycardia. Identifiers: Orphanet 3286, MedGen C5574922, MONDO:0017990.
Catecholaminergic polymorphic ventricular tachycardia 1. Also called: RYR2-Related Catecholaminergic Polymorphic Ventricular Tachycardia; VENTRICULAR TACHYCARDIA, STRESS-INDUCED POLYMORPHIC 1; VENTRICULAR TACHYCARDIA, CATECHOLAMINERGIC POLYMORPHIC, 1, WITH OR WITHOUT ATRIAL DYSFUNCTION AND/OR DILATED CARDIOMYOPATHY. Identifiers: Orphanet 3286, MedGen C1631597, MONDO:0011484, OMIM 604772.

Allele frequency attached by ClinVar (database versions not stated): gnomAD exomes below 0.00001; ExAC 0.00001.
gnomAD v4.1: 2 of 1,613,962 alleles (0.00012%); highest among the groups gnomAD compares: African/African-American, 0.0013%; no homozygotes.

Submissions (2):

Labcorp Genetics (formerly Invitae), Labcorp
Classification: Uncertain significance for Catecholaminergic polymorphic ventricular tachycardia 1. Last evaluated: 2025-04-11. Review status: criteria provided, single submitter. Criteria: Invitae Variant Classification Sherloc (09022015). Collection method: clinical testing. Allele origin: germline.
Comment: This sequence change replaces isoleucine, which is neutral and non-polar, with threonine, which is neutral and polar, at codon 2288 of the RYR2 protein (p.Ile2288Thr). This variant is present in population databases (rs770374505, gnomAD 0.007%). This variant has not been reported in the literature in individuals affected with RYR2-related conditions. ClinVar contains an entry for this variant (Variation ID: 3070476). Invitae Evidence Modeling of protein sequence and biophysical properties (such as structural, functional, and spatial information, amino acid conservation, physicochemical variation, residue mobility, and thermodynamic stability) has been performed for this missense variant. However, the output from this modeling did not meet the statistical confidence thresholds required to predict the impact of this variant on RYR2 protein function. In summary, the available evidence is currently insufficient to determine the role of this variant in disease. Therefore, it has been classified as a Variant of Uncertain Significance.

All of Us Research Program, National Institutes of Health
Classification: Uncertain significance for Catecholaminergic polymorphic ventricular tachycardia. Last evaluated: 2023-04-27. Review status: criteria provided, single submitter. Criteria: ACMG Guidelines, 2015. Collection method: clinical testing. Allele origin: germline. Inheritance: Autosomal dominant inheritance. Observed: 2 variant alleles, 2 heterozygotes.
Comment: This study involves interpretation of variants in research participants for the purpose of population health screening. Participant phenotype was not available at the time of variant classification. Additional details can be found in publication PMID: 35346344, PMCID: PMC8962531